The following is an entry in ClinVar:

NM_000020.3(ACVRL1):c.*46T>G

Gene: ACVRL1 (activin A receptor like type 1; plus strand). Cytogenetic location: 12q13.13.
Variant type: single nucleotide variant.
Coding change: c.*46T>G on transcript NM_000020.3 (MANE Select); 46 bases downstream of the stop codon, T replaced by G.
Molecular consequence: 3 prime UTR variant.
Genome position (GRCh38, 1-based): chr12:51,920,939, T>G. VCF-style: chr12-51920939-T-G. GRCh37 (hg19) VCF-style: chr12-52314723-T-G.
Other names: c.*46T>G (NM_001077401.2).
Identifiers: ClinVar variation 883793 (VCV000883793.5), dbSNP rs763282018, ClinGen allele CA6573195.

ClinVar aggregate classification (germline): Likely benign. Review status: criteria provided, multiple submitters, no conflicts (2 of 4 stars). 2 submissions from 2 submitters: Likely benign (2). Last evaluated 2018-01-12.

Conditions:
Telangiectasia, hereditary hemorrhagic, type 2 (HHT2). Also called: ACVRL1-Related Hereditary Hemorrhagic Telangiectasia; Telangiectasia, hereditary hemorrhagic, type II. Identifiers: Orphanet 774, MedGen C1838163, MONDO:0010880, OMIM 600376. Disease mechanism: loss of function.

Allele frequency attached by ClinVar (database versions not stated): ExAC 0.00027.

Submissions (2):

Illumina Laboratory Services, Illumina
Classification: Likely benign for Telangiectasia, hereditary hemorrhagic, type 2. Last evaluated: 2018-01-12. Review status: criteria provided, single submitter. Criteria: ICSL Variant Classification Criteria 13 December 2019. Collection method: clinical testing. Allele origin: germline.
Comment: This variant was observed in the ICSL laboratory as part of a predisposition screen in an ostensibly healthy population. It had not been previously curated by ICSL or reported in the Human Gene Mutation Database (HGMD: prior to June 1st, 2018), and was therefore a candidate for classification through an automated scoring system. Utilizing variant allele frequency, disease prevalence and penetrance estimates, and inheritance mode, an automated score was calculated to assess if this variant is too frequent to cause the disease. Based on the score and internal cut-off values, a variant classified as likely benign is not then subjected to further curation. The score for this variant resulted in a classification of likely benign for this disease.

Breakthrough Genomics
Classification: Likely benign. Review status: criteria provided, single submitter. Criteria: ACMG Guidelines, 2015. Collection method: not provided. Allele origin: germline. Inheritance: Autosomal dominant inheritance. Affected: yes.